The following is an entry in ClinVar:

ClinVar aggregate classification (germline): Pathogenic (1 of 4 stars; one submission).

Conditions:
Bethlem myopathy 1A. Also called: Bethlem Muscular Dystrophy; MYOPATHY, BENIGN CONGENITAL, WITH CONTRACTURES; Bethlem myopathy 1. Identifiers: Orphanet 610, MedGen CN029274, MONDO:0024530, OMIM 158810.

Submission:

Labcorp Genetics (formerly Invitae), Labcorp
Classification: Pathogenic for Bethlem myopathy 1A. Last evaluated: 2021-09-16. Review status: criteria provided, single submitter. Criteria: Invitae Variant Classification Sherloc (09022015). Collection method: clinical testing. Allele origin: germline.
Comment: This variant results in the deletion of 2-16 and part of exon 17 (c.-27-1690_1415delinsC) of the COL6A2 gene. It is expected to result in an absent or disrupted protein product. Loss-of-function variants in COL6A2 are known to be pathogenic (PMID: 19884007, 20976770). This variant has not been reported in the literature in individuals affected with COL6A2-related conditions. For these reasons, this variant has been classified as Pathogenic.

Literature cited by the submitters: PubMed 19884007; PubMed 20976770.

NC_000021.8:g.(?_47529674)_(47540994_?)del

Gene: COL6A2 (collagen type VI alpha 2 chain; plus strand). Cytogenetic location: 21q22.3.
Variant type: Deletion.
Identifiers: ClinVar variation 2424263 (VCV002424263.2).